The following is an entry in ClinVar:

NM_001077418.3(TMEM231):c.16C>G (p.Leu6Val)

Gene: TMEM231 (transmembrane protein 231; minus strand). Cytogenetic location: 16q23.1.
Variant type: single nucleotide variant.
Coding change: c.16C>G on transcript NM_001077418.3 (MANE Select); coding-DNA position 16, C replaced by G.
Protein change: p.Leu6Val; replaces leucine 6 with valine.
Molecular consequence: missense variant. On other transcripts: non-coding transcript variant (1).
Genome position (GRCh38, 1-based): chr16:75,556,194, G>C on the plus strand (C>G on the coding strand, the complement: TMEM231 is on the minus strand). VCF-style: chr16-75556194-G-C. GRCh37 (hg19) VCF-style: chr16-75590092-G-C.
Other names: p.Ser26Arg; c.78C>G, p.Ser26Arg (NM_001077416.2); short protein forms S26R, L6V.
Identifiers: ClinVar variation 130587 (VCV000130587.19), dbSNP rs3743601, ClinGen allele CA155714.

ClinVar aggregate classification (germline): Benign/Likely benign. Review status: criteria provided, multiple submitters, no conflicts (2 of 4 stars). 8 submissions from 8 submitters: Benign (6); Likely benign (1). 1 of the submissions does not count toward it. Last evaluated 2026-02-04.

Conditions:
Meckel syndrome, type 11 (MKS11). Identifiers: Orphanet 564, MedGen C3809352, MONDO:0014164, OMIM 615397.
Joubert syndrome 20 (JBTS20). Identifiers: Orphanet 475, MedGen C3554235, MONDO:0013994, OMIM 614970.

Allele frequency attached by ClinVar (database versions not stated): ESP Exome Variant Server 0.05809; gnomAD 0.10494 and 0.11961; TOPMed 0.14018; gnomAD exomes 0.21026; 1000 Genomes Project 30x 0.28123; ExAC 0.28133; 1000 Genomes Project 0.28914.
gnomAD v4.1: 139,230 of 1,485,022 alleles (9.4%); highest among the groups gnomAD compares: East Asian, 72%; 19,435 homozygotes.

Submissions (8):

Labcorp Genetics (formerly Invitae), Labcorp
Classification: Benign for Joubert syndrome 20; Meckel syndrome, type 11. Last evaluated: 2026-02-04. Review status: criteria provided, single submitter. Criteria: Invitae Variant Classification Sherloc (09022015). Collection method: clinical testing. Allele origin: germline.

Blueprint Genetics
Classification: Likely benign. Last evaluated: 2024-11-28. Review status: criteria provided, single submitter. Criteria: ACMG Guidelines, 2015. Collection method: clinical testing. Allele origin: germline.

Mayo Clinic Laboratories, Mayo Clinic
Classification: Benign. Last evaluated: 2022-03-09. Review status: criteria provided, single submitter. Criteria: ACMG Guidelines, 2015. Collection method: clinical testing. Allele origin: germline. Observed: 18 variant alleles.

Mendelics
Classification: Benign for Joubert syndrome 20. Last evaluated: 2019-05-28. Review status: criteria provided, single submitter. Criteria: Mendelics Assertion Criteria 2017. Collection method: clinical testing. Allele origin: unknown.

GeneDx
Classification: Benign. Last evaluated: 2016-02-02. Review status: criteria provided, single submitter. Criteria: GeneDx Variant Classification (06012015). Collection method: clinical testing. Allele origin: germline. Affected: yes.
Comment: This variant is considered likely benign or benign based on one or more of the following criteria: it is a conservative change, it occurs at a poorly conserved position in the protein, it is predicted to be benign by multiple in silico algorithms, and/or has population frequency not consistent with disease.

Breakthrough Genomics
Classification: Benign. Review status: criteria provided, single submitter. Criteria: ACMG Guidelines, 2015. Collection method: not provided. Allele origin: germline. Inheritance: Autosomal recessive inheritance. Affected: yes.

PreventionGenetics, part of Exact Sciences
Classification: Benign. Review status: criteria provided, single submitter. Criteria: ACMG Guidelines, 2015. Collection method: clinical testing. Allele origin: germline.

Genetic Services Laboratory, University of Chicago
Classification: Likely benign for AllHighlyPenetrant. Review status: no assertion criteria provided. Collection method: clinical testing. Allele origin: germline. Inheritance: Autosomal recessive inheritance. Not counted in ClinVar's aggregate classification.
Comment: Likely benign based on allele frequency in 1000 Genomes Project or ESP global frequency and its presence in a patient with a rare or unrelated disease phenotype. NOT Sanger confirmed.